The following is an entry in ClinVar:

ClinVar aggregate classification (germline): Conflicting classifications of pathogenicity. Review status: criteria provided, conflicting classifications (1 of 4 stars). 4 submissions from 4 submitters: Uncertain significance (1); Likely benign (3). Last evaluated 2026-05-06.

Conditions:
Cardiovascular phenotype. Identifiers: MedGen CN230736.
Catecholaminergic polymorphic ventricular tachycardia 1. Also called: RYR2-Related Catecholaminergic Polymorphic Ventricular Tachycardia; VENTRICULAR TACHYCARDIA, CATECHOLAMINERGIC POLYMORPHIC, 1, WITH OR WITHOUT ATRIAL DYSFUNCTION AND/OR DILATED CARDIOMYOPATHY; VENTRICULAR TACHYCARDIA, STRESS-INDUCED POLYMORPHIC 1. Identifiers: Orphanet 3286, MedGen C1631597, MONDO:0011484, OMIM 604772.

Allele frequency attached by ClinVar (database versions not stated): ESP Exome Variant Server 0.00042; ExAC 0.00049; 1000 Genomes Project 30x 0.00078; 1000 Genomes Project 0.00080; gnomAD 0.00055 and 0.00060; TOPMed 0.00050.

Submissions (4):

Women's Health and Genetics/Laboratory Corporation of America, LabCorp
Classification: Likely benign. Last evaluated: 2026-05-06. Review status: criteria provided, single submitter. Criteria: LabCorp Variant Classification Summary - May 2015. Collection method: clinical testing. Allele origin: germline.
Comment: Variant summary: TRDN c.277C>T (p.Arg93Cys) results in a non-conservative amino acid change in the encoded protein sequence. Algorithms developed to predict the effect of missense changes on protein structure and function are either unavailable or do not agree on the potential impact of this missense change. The variant allele was found at a frequency of 0.00019 in 186764 control chromosomes, predominantly at a frequency of 0.0024 within the African or African-American subpopulation in the gnomAD database. The observed variant frequency within African or African-American control individuals in the gnomAD database exceeds the estimated maximal expected allele frequency for disease-causing variants in TRDN. To our knowledge, no occurrence of c.277C>T in individuals affected with TRDN-related conditions and no experimental evidence demonstrating its impact on protein function have been reported. ClinVar contains an entry for this variant (Variation ID: 415187). Based on the evidence outlined above, the variant was classified as likely benign.

Labcorp Genetics (formerly Invitae), Labcorp
Classification: Likely benign for Catecholaminergic polymorphic ventricular tachycardia 1. Last evaluated: 2026-02-03. Review status: criteria provided, single submitter. Criteria: Invitae Variant Classification Sherloc (09022015). Collection method: clinical testing. Allele origin: germline.

GeneDx
Classification: Uncertain significance. Last evaluated: 2025-04-28. Review status: criteria provided, single submitter. Criteria: GeneDx Variant Classification Process June 2021. Collection method: clinical testing. Allele origin: germline. Affected: yes.
Comment: In silico analysis indicates that this missense variant does not alter protein structure/function; Has not been previously published as pathogenic or benign to our knowledge

Ambry Genetics
Classification: Likely benign for Cardiovascular phenotype. Last evaluated: 2020-02-21. Review status: criteria provided, single submitter. Criteria: Ambry Variant Classification Scheme 2023. Collection method: clinical testing. Allele origin: germline.

NM_006073.4(TRDN):c.277C>T (p.Arg93Cys)

Gene: TRDN (triadin; minus strand). Cytogenetic location: 6q22.31.
Variant type: single nucleotide variant.
Coding change: c.277C>T on transcript NM_006073.4 (MANE Select); coding-DNA position 277, C replaced by T.
Protein change: p.Arg93Cys; replaces arginine 93 with cysteine.
Molecular consequence: missense variant.
Genome position (GRCh38, 1-based): chr6:123,548,568, G>A on the plus strand (C>T on the coding strand, the complement: TRDN is on the minus strand). VCF-style: chr6-123548568-G-A. GRCh37 (hg19) VCF-style: chr6-123869713-G-A.
Other names: c.277C>T, p.Arg93Cys (NM_001251987.2, NM_001256020.2, NM_001256021.2 and 1 more transcripts); short protein forms R93C.
Identifiers: ClinVar variation 415187 (VCV000415187.22), dbSNP rs370788759, ClinGen allele CA3984423.